The following is an entry in ClinVar:

ClinVar aggregate classification (germline): Uncertain significance (1 of 4 stars; one submission).

Conditions:
Inborn genetic diseases. Identifiers: MedGen C0950123, MeSH D030342.

Allele frequency attached by ClinVar (database versions not stated): TOPMed below 0.00001.

Submission:

Ambry Genetics
Classification: Uncertain significance for Inborn genetic diseases. Last evaluated: 2022-11-07. Review status: criteria provided, single submitter. Criteria: Ambry Variant Classification Scheme 2023. Collection method: clinical testing. Allele origin: germline.
Comment: The c.2571-3C>T intronic alteration consists of a C to T substitution 3 nucleotides before exon 23 of the POLR3B gene. Based on insufficient or conflicting evidence, the clinical significance of this alteration remains unclear.

NM_018082.6(POLR3B):c.2571-3C>T

Gene: POLR3B (RNA polymerase III subunit B; plus strand). Cytogenetic location: 12q23.3.
Variant type: single nucleotide variant.
Coding change: c.2571-3C>T on transcript NM_018082.6 (MANE Select); 3 bases into the intron before coding-DNA position 2571, C replaced by T.
Molecular consequence: intron variant.
Genome position (GRCh38, 1-based): chr12:106,463,475, C>T. VCF-style: chr12-106463475-C-T. GRCh37 (hg19) VCF-style: chr12-106857253-C-T.
Other names: c.2397-3C>T (NM_001160708.2).
Identifiers: ClinVar variation 2313918 (VCV002313918.2), dbSNP rs1208095075, ClinGen allele CA683157185.